The following is an entry in ClinVar:

NM_003070.5(SMARCA2):c.1935+5G>A

Gene: SMARCA2 (SWI/SNF related BAF chromatin remodeling complex subunit ATPase 2; plus strand). Cytogenetic location: 9p24.3.
Variant type: single nucleotide variant.
Coding change: c.1935+5G>A on transcript NM_003070.5 (MANE Select); 5 bases into the intron after coding-DNA position 1935, G replaced by A.
Molecular consequence: intron variant.
Genome position (GRCh38, 1-based): chr9:2,073,628, G>A. VCF-style: chr9-2073628-G-A. GRCh37 (hg19) VCF-style: chr9-2073628-G-A.
Other names: c.1935+5G>A (NM_139045.4, NM_001289397.2, NM_001289396.2).
Identifiers: ClinVar variation 4813379 (VCV004813379.1).

ClinVar aggregate classification (germline): Uncertain significance (1 of 4 stars; one submission).

Submission:

GeneDx
Classification: Uncertain significance. Last evaluated: 2025-09-10. Review status: criteria provided, single submitter. Criteria: GeneDx Variant Classification Process June 2021. Collection method: clinical testing. Allele origin: germline. Affected: yes.
Comment: Not observed at significant frequency in large population cohorts (gnomAD); In silico analysis suggests that this variant does not alter splicing; Has not been previously published as pathogenic or benign to our knowledge